The following is an entry in ClinVar:

NM_000391.4(TPP1):c.1146-1G>A

Gene: TPP1 (tripeptidyl peptidase 1; minus strand). Cytogenetic location: 11p15.4.
Variant type: single nucleotide variant.
Coding change: c.1146-1G>A on transcript NM_000391.4 (MANE Select); the canonical splice acceptor site of the intron before coding-DNA position 1146, G replaced by A.
Molecular consequence: splice acceptor variant.
Genome position (GRCh38, 1-based): chr11:6,615,563, C>T on the plus strand (G>A on the coding strand, the complement: TPP1 is on the minus strand). VCF-style: chr11-6615563-C-T. GRCh37 (hg19) VCF-style: chr11-6636794-C-T.
Identifiers: ClinVar variation 429925 (VCV000429925.4), dbSNP rs1131691676, ClinGen allele CA379473210.

ClinVar aggregate classification (germline): Likely pathogenic. Review status: criteria provided, multiple submitters, no conflicts (2 of 4 stars). 3 submissions from 3 submitters: Likely pathogenic (2). 1 of the submissions does not count toward it. Last evaluated 2023-10-13.

Conditions:
Neuronal ceroid lipofuscinosis 2. Also called: JANSKY-BIELSCHOWSKY DISEASE NEURONAL CEROID LIPOFUSCINOSIS, LATE INFANTILE; TPP1-Related Neuronal Ceroid-Lipofuscinosis. Identifiers: Orphanet 168491, Orphanet 228349, Orphanet 79264, MedGen C1876161, MONDO:0008769, OMIM 204500.
Neuronal ceroid lipofuscinosis. Also called: Neuronal Ceroid Lipofuscinoses. Identifiers: Orphanet 216, Orphanet 79263, MedGen C0027877, MONDO:0016295. Disease mechanism: loss of function.

Submissions (3):

Women's Health and Genetics/Laboratory Corporation of America, LabCorp
Classification: Likely pathogenic for Neuronal ceroid lipofuscinosis. Last evaluated: 2023-10-13. Review status: criteria provided, single submitter. Criteria: LabCorp Variant Classification Summary - May 2015. Collection method: clinical testing. Allele origin: germline.
Comment: Variant summary: TPP1 c.1146-1G>A is located in a canonical splice-site and is predicted to affect mRNA splicing resulting in a significantly altered protein due to either exon skipping, shortening, or inclusion of intronic material. Several computational tools predict a significant impact on normal splicing: Four predict the variant abolishes the canonical 3' acceptor site and two predict the variant also strengthens a cryptic 3' acceptor site. However, these predictions have yet to be confirmed by functional studies. The variant was absent in 250238 control chromosomes (gnomAD). c.1146-1G>A has been reported in the literature in the homozygous state in an individual affected with Neuronal Ceroid-Lipofuscinosis (Batten Disease) (Ganapathy_2019). These data indicate that the variant is likely associated with disease. To our knowledge, no experimental evidence demonstrating an impact on protein function has been reported. The following publication has been ascertained in the context of this evaluation (PMID: 31069529). Two submitters have cited clinical-significance assessments for this variant to ClinVar after 2014 and both classified the variant as likely pathogenic. Based on the evidence outlined above, the variant was classified as likely pathogenic.

GeneDx
Classification: Likely pathogenic. Last evaluated: 2018-11-13. Review status: criteria provided, single submitter. Criteria: GeneDx Variant Classification (06012015). Collection method: clinical testing. Allele origin: germline. Affected: yes.
Comment: The c.1146-1 G>A variant has not been published as a pathogenic variant, nor has it been reported as a benign variant to our knowledge. It was not observed in approximately 6,500 individuals of European and African American ancestry in the NHLBI Exome Sequencing Project, indicating it is not a common benign variant in these populations The c.1146-1 G>A splice site variant in the TPP1 gene destroys the canonical splice acceptor site in intron 9. It is predicted to cause abnormal gene splicing, either leading to an abnormal message that is subject to nonsense-mediated mRNA decay, or to an abnormal protein product if the message is used for protein translation. Therefore, this variant is likely pathogenic; however, the possibility that it is benign cannot be excluded

Natera, Inc.
Classification: Likely pathogenic for Neuronal ceroid lipofuscinosis 2. Last evaluated: 2021-01-13. Review status: no assertion criteria provided. Collection method: clinical testing. Allele origin: germline. Not counted in ClinVar's aggregate classification.

Literature cited by the submitters: PubMed 31069529 (cited by Women's Health and Genetics/Laboratory Corporation of America, LabCorp).